The following is an entry in ClinVar:

ClinVar aggregate classification (germline): Pathogenic/Likely pathogenic. Review status: criteria provided, multiple submitters, no conflicts (2 of 4 stars). 2 submissions from 2 submitters: Pathogenic (1); Likely pathogenic (1). Last evaluated 2023-08-16.

Conditions:
Carnitine palmitoyl transferase 1A deficiency. Also called: Carnitine palmitoyltransferase type I deficiency; Carnitine palmitoyltransferase 1A deficiency; CPT I DEFICIENCY; CPT DEFICIENCY, HEPATIC, TYPE I; CPT deficiency, hepatic, type IA. Identifiers: Orphanet 156, MedGen C1829703, MONDO:0009705, OMIM 255120.

Allele frequency attached by ClinVar (database versions not stated): gnomAD exomes below 0.00001.
gnomAD v4.1: 2 of 1,614,158 alleles (0.00012%); highest among the groups gnomAD compares: Non-Finnish European, 0.000085%; no homozygotes.

Submissions (2):

Labcorp Genetics (formerly Invitae), Labcorp
Classification: Pathogenic for Carnitine palmitoyl transferase 1A deficiency. Last evaluated: 2023-08-16. Review status: criteria provided, single submitter. Criteria: Invitae Variant Classification Sherloc (09022015). Collection method: clinical testing. Allele origin: germline.
Comment: This variant is not present in population databases (gnomAD no frequency). This sequence change creates a premature translational stop signal (p.Glu627*) in the CPT1A gene. It is expected to result in an absent or disrupted protein product. Loss-of-function variants in CPT1A are known to be pathogenic (PMID: 16169268). This variant has not been reported in the literature in individuals affected with CPT1A-related conditions. For these reasons, this variant has been classified as Pathogenic.

Baylor Genetics
Classification: Likely pathogenic for Carnitine palmitoyl transferase 1A deficiency. Last evaluated: 2023-06-20. Review status: criteria provided, single submitter. Criteria: ACMG Guidelines, 2015. Collection method: clinical testing. Allele origin: unknown.

Literature cited by the submitters: PubMed 16169268 (cited by Labcorp Genetics (formerly Invitae), Labcorp).

NM_001876.4(CPT1A):c.1879G>T (p.Glu627Ter)

Gene: CPT1A (carnitine palmitoyltransferase 1A; minus strand). Cytogenetic location: 11q13.3.
Variant type: single nucleotide variant.
Coding change: c.1879G>T on transcript NM_001876.4 (MANE Select); coding-DNA position 1879, G replaced by T.
Protein change: p.Glu627Ter; replaces glutamic acid 627 with a stop codon.
Molecular consequence: nonsense.
Genome position (GRCh38, 1-based): chr11:68,761,684, C>A on the plus strand (G>T on the coding strand, the complement: CPT1A is on the minus strand). VCF-style: chr11-68761684-C-A. GRCh37 (hg19) VCF-style: chr11-68529152-C-A.
Other names: c.1879G>T, p.Glu627Ter (NM_001031847.3); short protein forms E627*.
Identifiers: ClinVar variation 2680923 (VCV002680923.4), dbSNP rs2495513283, ClinGen allele CA381626859.